The following is an entry in ClinVar:

NM_018671.5(UNC45A):c.251-15C>T

Gene: UNC45A (unc-45 myosin chaperone A; plus strand). Cytogenetic location: 15q26.1.
Variant type: single nucleotide variant.
Coding change: c.251-15C>T on transcript NM_018671.5 (MANE Select); 15 bases into the intron before coding-DNA position 251, C replaced by T.
Molecular consequence: intron variant. On other transcripts: 5 prime UTR variant (1).
Genome position (GRCh38, 1-based): chr15:90,936,270, C>T. VCF-style: chr15-90936270-C-T. GRCh37 (hg19) VCF-style: chr15-91479500-C-T.
Other names: c.-200C>T (NM_001323620.2); c.206-15C>T (NM_001039675.2, NM_001323621.2); c.251-15C>T (NM_001323619.1).
Identifiers: ClinVar variation 1955061 (VCV001955061.6), dbSNP rs1320322607, ClinGen allele CA619861913.

ClinVar aggregate classification (germline): Likely benign (1 of 4 stars; one submission).

Conditions:
Osteootohepatoenteric syndrome. Identifiers: MedGen C5543557, MONDO:0859164, OMIM 619377.

Allele frequency attached by ClinVar (database versions not stated): gnomAD exomes 0.00001; gnomAD 0.00001.
gnomAD v4.1: 15 of 1,606,586 alleles (0.00093%); highest among the groups gnomAD compares: Non-Finnish European, 0.0012%; no homozygotes.

Submission:

Labcorp Genetics (formerly Invitae), Labcorp
Classification: Likely benign. Last evaluated: 2025-11-28. Review status: criteria provided, single submitter. Criteria: Invitae Variant Classification Sherloc (09022015). Collection method: clinical testing. Allele origin: germline.